The following is an entry in ClinVar:

ClinVar aggregate classification (germline): Uncertain significance (0 of 4 stars; one submission).

Conditions:
BBS12-related disorder. Also called: BBS12-related condition.

gnomAD v4.1: 34 of 1,614,118 alleles (0.0021%); highest among the groups gnomAD compares: Non-Finnish European, 0.0029%; no homozygotes.

Submission:

PreventionGenetics, part of Exact Sciences
Classification: Uncertain significance for BBS12-related condition. Last evaluated: 2024-09-20. Review status: no assertion criteria provided. Collection method: clinical testing. Allele origin: germline.
Comment: The BBS12 c.617T>G variant is predicted to result in the amino acid substitution p.Val206Gly. This variant has been reported in an individual with retinal degeneration that harbored variants in other genes (Bryant et al. 2018. PubMed ID: 29343940, Table 3, Subject JB42). This variant is reported in 0.00088% of alleles in individuals of European (Non-Finnish) descent in gnomAD. At this time, the clinical significance of this variant is uncertain due to the absence of conclusive functional and genetic evidence.

NM_152618.3(BBS12):c.617T>G (p.Val206Gly)

Gene: BBS12 (Bardet-Biedl syndrome 12; plus strand). Cytogenetic location: 4q27.
Variant type: single nucleotide variant.
Coding change: c.617T>G on transcript NM_152618.3 (MANE Select); coding-DNA position 617, T replaced by G.
Protein change: p.Val206Gly; replaces valine 206 with glycine.
Molecular consequence: missense variant.
Genome position (GRCh38, 1-based): chr4:122,742,509, T>G. VCF-style: chr4-122742509-T-G. GRCh37 (hg19) VCF-style: chr4-123663664-T-G.
Other names: c.617T>G, p.Val206Gly (NM_001178007.2); short protein forms V206G.
Identifiers: ClinVar variation 3355098 (VCV003355098.1).